The following is an entry in ClinVar:

NM_003070.5(SMARCA2):c.*9G>C

Gene: SMARCA2 (SWI/SNF related BAF chromatin remodeling complex subunit ATPase 2; plus strand). Cytogenetic location: 9p24.3.
Variant type: single nucleotide variant.
Coding change: c.*9G>C on transcript NM_003070.5 (MANE Select); 9 bases downstream of the stop codon, G replaced by C.
Molecular consequence: 3 prime UTR variant.
Genome position (GRCh38, 1-based): chr9:2,192,748, G>C. VCF-style: chr9-2192748-G-C. GRCh37 (hg19) VCF-style: chr9-2192748-G-C.
Other names: c.*9G>C (NM_001289396.2, NM_001289397.2, NM_001289398.2 and 3 more transcripts).
Identifiers: ClinVar variation 366329 (VCV000366329.8), dbSNP rs561093327, ClinGen allele CA4964353.

ClinVar aggregate classification (germline): Likely benign. Review status: criteria provided, multiple submitters, no conflicts (2 of 4 stars). 3 submissions from 3 submitters: Likely benign (3). Last evaluated 2024-11-07.

Conditions:
Nicolaides-Baraitser syndrome (NCBRS). Also called: SMARCA2-Related Nicolaides-Baraitser Syndrome; Intellectual disability-sparse hair-brachydactyly syndrome. Identifiers: Orphanet 3051, MedGen C1303073, MONDO:0011053, OMIM 601358.

Allele frequency attached by ClinVar (database versions not stated): ExAC 0.00005; gnomAD exomes 0.00010 and 0.00011; gnomAD 0.00013 and 0.00015; 1000 Genomes Project 30x 0.00016; TOPMed 0.00019; 1000 Genomes Project 0.00020.
gnomAD v4.1: 183 of 1,602,842 alleles (0.011%); highest among the groups gnomAD compares: Admixed American, 0.052%; no homozygotes.

Submissions (3):

Blueprint Genetics
Classification: Likely benign. Last evaluated: 2024-11-07. Review status: criteria provided, single submitter. Criteria: ACMG Guidelines, 2015. Collection method: clinical testing. Allele origin: germline.

GeneDx
Classification: Likely benign. Last evaluated: 2020-03-20. Review status: criteria provided, single submitter. Criteria: GeneDx Variant Classification Process June 2021. Collection method: clinical testing. Allele origin: germline. Affected: yes.

Illumina Laboratory Services, Illumina
Classification: Likely benign for Nicolaides-Baraitser syndrome. Last evaluated: 2018-01-13. Review status: criteria provided, single submitter. Criteria: ICSL Variant Classification Criteria 13 December 2019. Collection method: clinical testing. Allele origin: germline.
Comment: This variant was observed in the ICSL laboratory as part of a predisposition screen in an ostensibly healthy population. It had not been previously curated by ICSL or reported in the Human Gene Mutation Database (HGMD: prior to June 1st, 2018), and was therefore a candidate for classification through an automated scoring system. Utilizing variant allele frequency, disease prevalence and penetrance estimates, and inheritance mode, an automated score was calculated to assess if this variant is too frequent to cause the disease. Based on the score and internal cut-off values, a variant classified as likely benign is not then subjected to further curation. The score for this variant resulted in a classification of likely benign for this disease.